The following is an entry in ClinVar:

ClinVar aggregate classification (germline): Benign (1 of 4 stars; one submission).

Conditions:
Exudative vitreoretinopathy 5 (EVR5). Identifiers: Orphanet 891, MedGen C2750079, MONDO:0013218, OMIM 613310.

Allele frequency attached by ClinVar (database versions not stated): TOPMed 0.00117; gnomAD 0.00128 and 0.00139; 1000 Genomes Project 30x 0.00156; 1000 Genomes Project 0.00180; gnomAD exomes 0.00210.
gnomAD v4.1: 603 of 334,220 alleles (0.18%); highest among the groups gnomAD compares: South Asian, 0.54%; 5 homozygotes.

Submission:

Illumina Laboratory Services, Illumina
Classification: Benign for Exudative vitreoretinopathy 5. Last evaluated: 2018-01-12. Review status: criteria provided, single submitter. Criteria: ICSL Variant Classification Criteria 13 December 2019. Collection method: clinical testing. Allele origin: germline.
Comment: This variant was observed in the ICSL laboratory as part of a predisposition screen in an ostensibly healthy population. It had not been previously curated by ICSL or reported in the Human Gene Mutation Database (HGMD: prior to June 1st, 2018), and was therefore a candidate for classification through an automated scoring system. Utilizing variant allele frequency, disease prevalence and penetrance estimates, and inheritance mode, an automated score was calculated to assess if this variant is too frequent to cause the disease. Based on the score and internal cut-off values, a variant classified as benign is not then subjected to further curation. The score for this variant resulted in a classification of benign for this disease.

NM_012338.4(TSPAN12):c.*334A>T

Gene: TSPAN12 (tetraspanin 12; minus strand). Cytogenetic location: 7q31.31.
Variant type: single nucleotide variant.
Coding change: c.*334A>T on transcript NM_012338.4 (MANE Select); 334 bases downstream of the stop codon, A replaced by T.
Molecular consequence: 3 prime UTR variant.
Genome position (GRCh38, 1-based): chr7:120,788,258, T>A on the plus strand (A>T on the coding strand, the complement: TSPAN12 is on the minus strand). VCF-style: chr7-120788258-T-A. GRCh37 (hg19) VCF-style: chr7-120428312-T-A.
Identifiers: ClinVar variation 358757 (VCV000358757.5), dbSNP rs545129654, ClinGen allele CA10628087.